The following is an entry in ClinVar:

ClinVar aggregate classification (germline): Uncertain significance (1 of 4 stars; one submission).

Conditions:
Developmental and epileptic encephalopathy, 25 (DEE25). Also called: Epileptic encephalopathy, early infantile, 25; Developmental and epileptic encephalopathy 25, with amelogenesis imperfecta; Epileptic encephalopathy, early infantile, 25, with amelogenesis imperfecta. Identifiers: Orphanet 442835, MedGen C4014621, MONDO:0014392, OMIM 615905.

Allele frequency attached by ClinVar (database versions not stated): ExAC 0.00002; gnomAD exomes below 0.00001; ESP Exome Variant Server 0.00015.
gnomAD v4.1: 73 of 1,613,728 alleles (0.0045%); highest among the groups gnomAD compares: Non-Finnish European, 0.0055%; no homozygotes.

Submission:

Labcorp Genetics (formerly Invitae), Labcorp
Classification: Uncertain significance for Developmental and epileptic encephalopathy, 25. Last evaluated: 2021-08-26. Review status: criteria provided, single submitter. Criteria: Invitae Variant Classification Sherloc (09022015). Collection method: clinical testing. Allele origin: germline.
Comment: This sequence change replaces arginine with cysteine at codon 112 of the SLC13A5 protein (p.Arg112Cys). The arginine residue is moderately conserved and there is a large physicochemical difference between arginine and cysteine. This variant is present in population databases (rs372771266, ExAC 0.006%). This variant has not been reported in the literature in individuals affected with SLC13A5-related conditions. Algorithms developed to predict the effect of missense changes on protein structure and function are either unavailable or do not agree on the potential impact of this missense change (SIFT: "Tolerated"; PolyPhen-2: "Probably Damaging"; Align-GVGD: "Class C25"). In summary, the available evidence is currently insufficient to determine the role of this variant in disease. Therefore, it has been classified as a Variant of Uncertain Significance.

NM_177550.5(SLC13A5):c.334C>T (p.Arg112Cys)

Gene: SLC13A5 (solute carrier family 13 member 5; minus strand). Cytogenetic location: 17p13.1.
Variant type: single nucleotide variant.
Coding change: c.334C>T on transcript NM_177550.5 (MANE Select); coding-DNA position 334, C replaced by T.
Protein change: p.Arg112Cys; replaces arginine 112 with cysteine.
Molecular consequence: missense variant.
Genome position (GRCh38, 1-based): chr17:6,706,676, G>A on the plus strand (C>T on the coding strand, the complement: SLC13A5 is on the minus strand). VCF-style: chr17-6706676-G-A. GRCh37 (hg19) VCF-style: chr17-6609995-G-A.
Other names: c.334C>T, p.Arg112Cys (NM_001143838.3, NM_001284509.2); c.205C>T, p.Arg69Cys (NM_001284510.2); short protein forms R112C, R69C.
Identifiers: ClinVar variation 1362724 (VCV001362724.5), dbSNP rs372771266, ClinGen allele CA8331775.